The following is an entry in ClinVar:

ClinVar aggregate classification (germline): Uncertain significance (1 of 4 stars; one submission).

gnomAD v4.1: 5 of 1,314,058 alleles (0.00038%); highest among the groups gnomAD compares: African/African-American, 0.0015%; no homozygotes.

Submission:

Labcorp Genetics (formerly Invitae), Labcorp
Classification: Uncertain significance. Last evaluated: 2025-05-07. Review status: criteria provided, single submitter. Criteria: Invitae Variant Classification Sherloc (09022015). Collection method: clinical testing. Allele origin: germline.
Comment: This sequence change replaces leucine, which is neutral and non-polar, with phenylalanine, which is neutral and non-polar, at codon 10 of the ITGB3 protein (p.Leu10Phe). This variant is present in population databases (no rsID available, gnomAD 0.005%). This variant has not been reported in the literature in individuals affected with ITGB3-related conditions. Invitae Evidence Modeling of protein sequence and biophysical properties (such as structural, functional, and spatial information, amino acid conservation, physicochemical variation, residue mobility, and thermodynamic stability) indicates that this missense variant is not expected to disrupt ITGB3 protein function with a negative predictive value of 80%. In summary, the available evidence is currently insufficient to determine the role of this variant in disease. Therefore, it has been classified as a Variant of Uncertain Significance.

NM_000212.3(ITGB3):c.28C>T (p.Leu10Phe)

Gene: ITGB3 (integrin subunit beta 3; plus strand). Cytogenetic location: 17q21.32.
Variant type: single nucleotide variant.
Coding change: c.28C>T on transcript NM_000212.3 (MANE Select); coding-DNA position 28, C replaced by T.
Protein change: p.Leu10Phe; replaces leucine 10 with phenylalanine.
Molecular consequence: missense variant.
Genome position (GRCh38, 1-based): chr17:47,253,889, C>T. VCF-style: chr17-47253889-C-T. GRCh37 (hg19) VCF-style: chr17-45331255-C-T.
Other names: short protein forms L10F.
Identifiers: ClinVar variation 4748382 (VCV004748382.1).